The following is an entry in ClinVar:

ClinVar aggregate classification (germline): Likely benign (1 of 4 stars; one submission).

gnomAD v4.1: 2 of 1,614,094 alleles (0.00012%); no homozygotes.

Submission:

Women's Health and Genetics/Laboratory Corporation of America, LabCorp
Classification: Likely benign. Last evaluated: 2026-05-07. Review status: criteria provided, single submitter. Criteria: LabCorp Variant Classification Summary - May 2015. Collection method: clinical testing. Allele origin: germline.
Comment: Variant summary: ACVR1 c.471C>G alters a conserved nucleotide resulting in a synonymous change. Consensus agreement among computation tools predict no significant impact on normal splicing. However, these predictions have yet to be confirmed by functional studies. The variant was absent in 251220 control chromosomes. The available data on variant occurrences in the general population are insufficient to allow any conclusion about variant significance. To our knowledge, no occurrence of c.471C>G in individuals affected with ACVR1-related conditions and no experimental evidence demonstrating its impact on protein function have been reported. No submitters have cited clinical-significance assessments for this variant to ClinVar. Based on the evidence outlined above, the variant was classified as likely benign.

NM_001111067.4(ACVR1):c.471C>G (p.Leu157=)

Gene: ACVR1 (activin A receptor type 1; minus strand). Cytogenetic location: 2q24.1.
Variant type: single nucleotide variant.
Coding change: c.471C>G on transcript NM_001111067.4 (MANE Select); coding-DNA position 471, C replaced by G.
Protein change: p.Leu157=; no amino-acid change (leucine 157 retained).
Molecular consequence: synonymous variant.
Genome position (GRCh38, 1-based): chr2:157,778,203, G>C on the plus strand (C>G on the coding strand, the complement: ACVR1 is on the minus strand). VCF-style: chr2-157778203-G-C. GRCh37 (hg19) VCF-style: chr2-158634715-G-C.
Other names: c.471C>G, p.Leu157= (NM_001105.5, NM_001347663.1, NM_001347664.1 and 3 more transcripts).
Identifiers: ClinVar variation 4853488 (VCV004853488.1).